The following is an entry in ClinVar:

ClinVar aggregate classification (germline): Uncertain significance. Review status: criteria provided, multiple submitters, no conflicts (2 of 4 stars). 3 submissions from 3 submitters: Uncertain significance (3). Last evaluated 2025-07-10.

Conditions:
Kabuki syndrome 1 (KABUK1). Also called: KMT2D-Related Kabuki Syndrome. Identifiers: Orphanet 2322, MedGen CN030661, MONDO:0007843, OMIM 147920.
Choanal atresia-athelia-hypothyroidism-delayed puberty-short stature syndrome (BCAHH). Also called: BRANCHIAL ARCH ABNORMALITIES, CHOANAL ATRESIA, ATHELIA, HEARING LOSS, AND HYPOTHYROIDISM SYNDROME. Identifiers: Orphanet 589856, MedGen C5680310, MONDO:0035651, OMIM 620186.
Kabuki syndrome. Also called: NIIKAWA-KUROKI SYNDROME; Kabuki make-up syndrome. Identifiers: Orphanet 2322, MedGen C0796004, MONDO:0016512.

Submissions (3):

Institute of Immunology and Genetics Kaiserslautern
Classification: Uncertain significance for Kabuki syndrome 1; Choanal atresia-athelia-hypothyroidism-delayed puberty-short stature syndrome. Last evaluated: 2025-07-10. Review status: criteria provided, single submitter. Criteria: ACMG Guidelines, 2015. Collection method: clinical testing. Allele origin: germline. Affected: yes.
Comment: ACMG Criteria: PM2_P, PM4; Variant was found in heterozygous state.

GeneDx
Classification: Uncertain significance. Last evaluated: 2025-03-01. Review status: criteria provided, single submitter. Criteria: GeneDx Variant Classification Process June 2021. Collection method: clinical testing. Allele origin: germline. Affected: yes.
Comment: In-frame deletion of 14 amino acid(s) in a non-repeat region; In silico analysis supports a deleterious effect on protein structure/function; Has not been previously published as pathogenic or benign to our knowledge

Labcorp Genetics (formerly Invitae), Labcorp
Classification: Uncertain significance for Kabuki syndrome. Last evaluated: 2023-04-21. Review status: criteria provided, single submitter. Criteria: Invitae Variant Classification Sherloc (09022015). Collection method: clinical testing. Allele origin: germline.
Comment: This variant, c.11801_11842del, results in the deletion of 14 amino acid(s) of the KMT2D protein (p.Gln3934_Gln3947del), but otherwise preserves the integrity of the reading frame. The frequency data for this variant in the population databases is considered unreliable, as metrics indicate poor data quality at this position in the gnomAD database. This variant has not been reported in the literature in individuals affected with KMT2D-related conditions. ClinVar contains an entry for this variant (Variation ID: 2181825). Experimental studies and prediction algorithms are not available or were not evaluated, and the functional significance of this variant is currently unknown. In summary, the available evidence is currently insufficient to determine the role of this variant in disease. Therefore, it has been classified as a Variant of Uncertain Significance.

NM_003482.4(KMT2D):c.11801_11842del (p.Gln3934_Gln3947del)

Gene: KMT2D (lysine methyltransferase 2D; minus strand). Cytogenetic location: 12q13.12.
Variant type: Deletion.
Coding change: c.11801_11842del on transcript NM_003482.4 (MANE Select); coding-DNA positions 11801 to 11842, 42 bases deleted.
Protein change: p.Gln3934_Gln3947del.
Molecular consequence: inframe deletion.
Genome position (GRCh38, 1-based): chr12:49,032,863-49,032,904, 42 bases deleted; deleting any 42 consecutive bases within chr12:49,032,863-49,032,911 gives the same sequence; the c. name uses the placement nearest the transcript's 3' end. GRCh37 (hg19): chr12:49,426,653-49,426,694.
Other names: c.11801_11842del (NM_003482.3).
Identifiers: ClinVar variation 2181825 (VCV002181825.6), dbSNP rs1208120334, ClinGen allele CA605233609.